The following is an entry in ClinVar:

NM_002471.4(MYH6):c.2169-8C>T

Gene: MYH6 (myosin heavy chain 6; minus strand). Cytogenetic location: 14q11.2.
Variant type: single nucleotide variant.
Coding change: c.2169-8C>T on transcript NM_002471.4 (MANE Select); 8 bases into the intron before coding-DNA position 2169, C replaced by T.
Molecular consequence: intron variant.
Genome position (GRCh38, 1-based): chr14:23,396,825, G>A on the plus strand (C>T on the coding strand, the complement: MYH6 is on the minus strand). VCF-style: chr14-23396825-G-A. GRCh37 (hg19) VCF-style: chr14-23866034-G-A.
Identifiers: ClinVar variation 977732 (VCV000977732.2), dbSNP rs1006825673, ClinGen allele CA257789594.

ClinVar aggregate classification (germline): Uncertain significance. Review status: criteria provided, multiple submitters, no conflicts (2 of 4 stars). 2 submissions from 2 submitters: Uncertain significance (2). Last evaluated 2021-09-17.

Conditions:
Sick sinus syndrome 3, susceptibility to (SSS3). Identifiers: Orphanet 166282, MedGen C3279791, MONDO:0013568, OMIM 614090.
Dilated cardiomyopathy 1EE (CMD1EE). Identifiers: Orphanet 154, MedGen C2750466, MONDO:0013198, OMIM 613252.
Atrial septal defect 3 (ASD3). Identifiers: Orphanet 1478, MedGen C3279790, MONDO:0013567, OMIM 614089.
Hypertrophic cardiomyopathy 14. Identifiers: MedGen C2750467, MONDO:0013197, OMIM 613251.
Hypertrophic cardiomyopathy 1 (CMH1). Also called: Familial hypertrophic cardiomyopathy 1; MYH7-Related Familial Hypertrophic Cardiomyopathy. Identifiers: MedGen C3495498, MONDO:0008647, OMIM 192600.

Allele frequency attached by ClinVar (database versions not stated): gnomAD exomes below 0.00001; gnomAD 0.00001; TOPMed 0.00001.
gnomAD v4.1: 3 of 1,613,842 alleles (0.00019%); highest among the groups gnomAD compares: Non-Finnish European, 0.00025%; no homozygotes.

Submissions (2):

Fulgent Genetics
Classification: Uncertain significance for Hypertrophic cardiomyopathy 1; Hypertrophic cardiomyopathy 14; Dilated cardiomyopathy 1EE; Atrial septal defect 3; Sick sinus syndrome 3, susceptibility to. Last evaluated: 2021-09-17. Review status: criteria provided, single submitter. Criteria: ACMG Guidelines, 2015. Collection method: clinical testing. Allele origin: unknown.

Women's Health and Genetics/Laboratory Corporation of America, LabCorp
Classification: Uncertain significance. Last evaluated: 2020-08-31. Review status: criteria provided, single submitter. Criteria: LabCorp Variant Classification Summary - May 2015. Collection method: clinical testing. Allele origin: germline.
Comment: Variant summary: MYH6 c.2169-8C>T alters a non-conserved nucleotide located close to a canonical splice site and therefore could affect mRNA splicing, leading to a significantly altered protein sequence. 4/4 computational tools predict no significant impact on normal splicing. However, these predictions have yet to be confirmed by functional studies. The variant was absent in 251198 control chromosomes. The available data on variant occurrences in the general population are insufficient to allow any conclusion about variant significance. To our knowledge, no occurrence of c.2169-8C>T in individuals affected with Cardiomyopathy and no experimental evidence demonstrating its impact on protein function have been reported. No clinical diagnostic laboratories have submitted clinical-significance assessments for this variant to ClinVar after 2014. Based on the evidence outlined above, the variant was classified as uncertain significance.